The following is an entry in ClinVar:

NM_001039876.3(SYNE4):c.249C>T (p.Tyr83=)

Gene: SYNE4 (spectrin repeat containing nuclear envelope family member 4; minus strand). Cytogenetic location: 19q13.12.
Variant type: single nucleotide variant.
Coding change: c.249C>T on transcript NM_001039876.3 (MANE Select); coding-DNA position 249, C replaced by T.
Protein change: p.Tyr83=; no amino-acid change (tyrosine 83 retained).
Molecular consequence: synonymous variant.
Genome position (GRCh38, 1-based): chr19:36,008,247, G>A on the plus strand (C>T on the coding strand, the complement: SYNE4 is on the minus strand). VCF-style: chr19-36008247-G-A. GRCh37 (hg19) VCF-style: chr19-36499149-G-A.
Other names: c.249C>T, p.Tyr83= (NM_001297735.3).
Identifiers: ClinVar variation 682172 (VCV000682172.15), dbSNP rs373270664, ClinGen allele CA9393988.

ClinVar aggregate classification (germline): Likely benign. Review status: criteria provided, multiple submitters, no conflicts (2 of 4 stars). 4 submissions from 4 submitters: Likely benign (3). 1 of the submissions does not count toward it. Last evaluated 2026-01-26.

Conditions:
SYNE4-related disorder. Also called: SYNE4-related condition.

Allele frequency attached by ClinVar (database versions not stated): ESP Exome Variant Server 0.00008; 1000 Genomes Project 30x 0.00016; 1000 Genomes Project 0.00020; ExAC 0.00020; gnomAD exomes 0.00022; gnomAD 0.00023 and 0.00028; TOPMed 0.00029.
gnomAD v4.1: 210 of 1,610,876 alleles (0.013%); highest among the groups gnomAD compares: Middle Eastern, 0.066%; 1 homozygote.

Submissions (4):

Labcorp Genetics (formerly Invitae), Labcorp
Classification: Likely benign. Last evaluated: 2026-01-26. Review status: criteria provided, single submitter. Criteria: Invitae Variant Classification Sherloc (09022015). Collection method: clinical testing. Allele origin: germline.

GeneDx
Classification: Likely benign. Last evaluated: 2019-08-28. Review status: criteria provided, single submitter. Criteria: GeneDx Variant Classification Process June 2021. Collection method: clinical testing. Allele origin: germline. Affected: yes.

Breakthrough Genomics
Classification: Likely benign. Review status: criteria provided, single submitter. Criteria: ACMG Guidelines, 2015. Collection method: not provided. Allele origin: germline. Inheritance: Autosomal recessive inheritance. Affected: yes.

PreventionGenetics, part of Exact Sciences
Classification: Likely benign for SYNE4-related condition. Last evaluated: 2021-11-11. Review status: no assertion criteria provided. Collection method: clinical testing. Allele origin: germline. Not counted in ClinVar's aggregate classification.
Comment: This variant is classified as likely benign based on ACMG/AMP sequence variant interpretation guidelines (Richards et al. 2015 PMID: 25741868, with internal and published modifications).